The following is an entry in ClinVar:

ClinVar aggregate classification (germline): Pathogenic (1 of 4 stars; one submission).

Conditions:
Osteogenesis imperfecta with normal sclerae, dominant form (OI4). Also called: OSTEOGENESIS IMPERFECTA, TYPE IV, WITH DENTINOGENESIS IMPERFECTA; Osteogenesis imperfecta type 4; OSTEOGENESIS IMPERFECTA WITH NORMAL SCLERAE; Osteogenesis Imperfecta Type IV; Common Variable Osteogenesis Imperfecta with Normal Sclerae. Identifiers: Orphanet 216820, Orphanet 666, MedGen C0268363, MONDO:0008148, OMIM 166220.

Submission:

Centre for Mendelian Genomics, University Medical Centre Ljubljana
Classification: Pathogenic for Osteogenesis imperfecta with normal sclerae, dominant form. Last evaluated: 2019-05-20. Review status: criteria provided, single submitter. Criteria: ACMG Guidelines, 2015. Collection method: clinical testing. Allele origin: unknown. Affected: yes.
Comment: This variant was classified as: Pathogenic. The following ACMG criteria were applied in classifying this variant: PVS1,PM1,PM2.

NM_000088.4(COL1A1):c.2490del (p.Asp831fs)

Gene: COL1A1 (collagen type I alpha 1 chain; minus strand). Cytogenetic location: 17q21.33.
Variant type: Deletion.
Coding change: c.2490del on transcript NM_000088.4 (MANE Select); coding-DNA position 2490, one base deleted (T; older notation c.2490delT).
Protein change: p.Asp831fs; shifts the reading frame from aspartic acid 831.
Molecular consequence: frameshift variant.
Genome position (GRCh38, 1-based): chr17:50,190,070, A deleted on the plus strand (T on the coding strand, the reverse complement: COL1A1 is on the minus strand). VCF-style (leftmost placement, unchanged base first): chr17-50190069-CA-C. GRCh37 (hg19) VCF-style: chr17-48267430-CA-C.
Other names: short protein forms D831fs.
Identifiers: ClinVar variation 931602 (VCV000931602.3), dbSNP rs1906940130, ClinGen allele CA1139665698.